The following is an entry in ClinVar:

ClinVar aggregate classification (germline): Uncertain significance (1 of 4 stars; one submission).

Conditions:
Hereditary cancer-predisposing syndrome. Also called: Neoplastic Syndromes, Hereditary; Tumor predisposition; Hereditary Cancer Syndrome; Hereditary neoplastic syndrome. Identifiers: Orphanet 140162, MedGen C0027672, MeSH D009386, MONDO:0015356.

Submission:

Color Diagnostics, LLC DBA Color Health
Classification: Uncertain significance for Hereditary cancer-predisposing syndrome. Last evaluated: 2021-10-12. Review status: criteria provided, single submitter. Criteria: ACMG Guidelines, 2015. Collection method: clinical testing. Allele origin: germline.
Comment: This missense variant replaces proline with threonine at codon 1594 of the BRCA1 protein. Computational prediction is inconclusive regarding the impact of this variant on protein structure and function (internally defined REVEL score threshold 0.5 < inconclusive < 0.7, PMID: 27666373). To our knowledge, functional studies have not been reported for this variant. This variant has not been reported in individuals affected with hereditary cancer in the literature. This variant has not been identified in the general population by the Genome Aggregation Database (gnomAD). The available evidence is insufficient to determine the role of this variant in disease conclusively. Therefore, this variant is classified as a Variant of Uncertain Significance.

NM_007294.4(BRCA1):c.4780C>A (p.Pro1594Thr)

Gene: BRCA1 (BRCA1 DNA repair associated; minus strand). Cytogenetic location: 17q21.31.
Variant type: single nucleotide variant.
Coding change: c.4780C>A on transcript NM_007294.4 (MANE Select); coding-DNA position 4780, C replaced by A.
Protein change: p.Pro1594Thr; replaces proline 1594 with threonine.
Molecular consequence: missense variant. On other transcripts: intron variant (1).
Genome position (GRCh38, 1-based): chr17:43,071,134, G>T on the plus strand (C>A on the coding strand, the complement: BRCA1 is on the minus strand). VCF-style: chr17-43071134-G-T. GRCh37 (hg19) VCF-style: chr17-41223151-G-T.
Other names: c.967C>A, p.Pro323Thr (NM_001408512.1); c.940C>A, p.Pro314Thr (NM_001408513.1); c.4567C>A, p.Pro1523Thr (NM_001407571.1, NM_001407894.1, NM_001407895.1 and 12 more transcripts); c.4639C>A, p.Pro1547Thr (NM_007297.4, NM_001407692.1, NM_001407694.1 and 13 more transcripts); c.4846C>A, p.Pro1616Thr (NM_001407581.1, NM_001407582.1); c.1468C>A, p.Pro490Thr (NM_007298.4, NM_007299.4, NM_007304.2 and 13 more transcripts); c.839-7183C>A (NM_001408514.1); c.4843C>A, p.Pro1615Thr (NM_007300.4, NM_001407585.1, NM_001407587.1 and 1 more transcripts); and 71 more; short protein forms P1504T, P1546T, P1551T, P1552T, P1567T, P1568T, P1574T, P1616T.
Identifiers: ClinVar variation 2774830 (VCV002774830.2), dbSNP rs587782012, ClinGen allele CA10591956.